The following is an entry in ClinVar:

ClinVar aggregate classification (germline): Uncertain significance (1 of 4 stars; one submission).

Submission:

GeneDx
Classification: Uncertain significance. Last evaluated: 2024-07-06. Review status: criteria provided, single submitter. Criteria: GeneDx Variant Classification Process June 2021. Collection method: clinical testing. Allele origin: germline. Affected: yes.
Comment: Not observed at significant frequency in large population cohorts (gnomAD); In silico analysis supports a deleterious effect on splicing; Has not been previously published as pathogenic or benign to our knowledge

NM_003126.4(SPTA1):c.6549-5A>G

Gene: SPTA1 (spectrin alpha, erythrocytic 1; minus strand). Cytogenetic location: 1q23.1.
Variant type: single nucleotide variant.
Coding change: c.6549-5A>G on transcript NM_003126.4 (MANE Select); 5 bases into the intron before coding-DNA position 6549, A replaced by G.
Molecular consequence: intron variant.
Genome position (GRCh38, 1-based): chr1:158,617,593, T>C on the plus strand (A>G on the coding strand, the complement: SPTA1 is on the minus strand). VCF-style: chr1-158617593-T-C. GRCh37 (hg19) VCF-style: chr1-158587383-T-C.
Identifiers: ClinVar variation 3393896 (VCV003393896.1).